The following is an entry in ClinVar:

ClinVar aggregate classification (germline): Pathogenic/Likely pathogenic. Review status: criteria provided, multiple submitters, no conflicts (2 of 4 stars). 2 submissions from 2 submitters: Pathogenic (1); Likely pathogenic (1). Last evaluated 2025-02-11.

Conditions:
Familial hemophagocytic lymphohistiocytosis 3 (FHL3). Also called: UNC13D-Related Familial Hemophagocytic Lymphohistiocytosis (UNC13D-fHLH). Identifiers: Orphanet 540, MedGen C1837174, MONDO:0012146, OMIM 608898.
Familial hemophagocytic lymphohistiocytosis (FHL). Also called: Hereditary hemophagocytic lymphohistiocytosis; Familial erythrophagocytic lymphohistiocytosis; Familial histiocytic reticulosis. Identifiers: Orphanet 158038, Orphanet 540, MedGen C0272199, MONDO:0015541.

Allele frequency attached by ClinVar (database versions not stated): gnomAD exomes below 0.00001; TOPMed below 0.00001; gnomAD 0.00001.

Submissions (2):

Women's Health and Genetics/Laboratory Corporation of America, LabCorp
Classification: Likely pathogenic for Familial hemophagocytic lymphohistiocytosis. Last evaluated: 2025-02-11. Review status: criteria provided, single submitter. Criteria: LabCorp Variant Classification Summary - May 2015. Collection method: clinical testing. Allele origin: germline.
Comment: Variant summary: UNC13D c.262-1G>A is located in a canonical splice-site and is predicted to affect mRNA splicing resulting in a significantly altered protein due to either exon skipping, shortening, or inclusion of intronic material. Variants that disrupt the consensus splice site are a relatively common cause of aberrant splicing and loss of UNC13D function. Several computational tools predict a significant impact on normal splicing: Four predict the variant abolishes a 3' acceptor site. However, these predictions have yet to be confirmed by functional studies. The variant was absent in 243892 control chromosomes. c.262-1G>A has been reported in the literature in at-least one individual affected with Familial Hemophagocytic Lymphohistiocytosis (example: Gadoury-Levesque_2020). To our knowledge, no experimental evidence demonstrating an impact on protein function has been reported. The following publication has been ascertained in the context of this evaluation (PMID: 32542393). ClinVar contains an entry for this variant (Variation ID: 2982383). Based on the evidence outlined above, the variant was classified as likely pathogenic.

Labcorp Genetics (formerly Invitae), Labcorp
Classification: Pathogenic for Familial hemophagocytic lymphohistiocytosis 3. Last evaluated: 2024-06-26. Review status: criteria provided, single submitter. Criteria: Invitae Variant Classification Sherloc (09022015). Collection method: clinical testing. Allele origin: germline.
Comment: This sequence change affects an acceptor splice site in intron 3 of the UNC13D gene. It is expected to disrupt RNA splicing. Variants that disrupt the donor or acceptor splice site typically lead to a loss of protein function (PMID: 16199547), and loss-of-function variants in UNC13D are known to be pathogenic (PMID: 14622600). This variant is not present in population databases (gnomAD no frequency). Disruption of this splice site has been observed in individual(s) with clinical features of hemophagocytic lymphohistiocytosis (PMID: 32542393; external communication). In at least one individual the data is consistent with being in trans (on the opposite chromosome) from a pathogenic variant. Algorithms developed to predict the effect of sequence changes on RNA splicing suggest that this variant may disrupt the consensus splice site. For these reasons, this variant has been classified as Pathogenic.

Literature cited by the submitters: PubMed 32542393 (cited by Women's Health and Genetics/Laboratory Corporation of America, LabCorp and Labcorp Genetics (formerly Invitae), Labcorp); PubMed 16199547 (cited by Labcorp Genetics (formerly Invitae), Labcorp); PubMed 14622600 (cited by Labcorp Genetics (formerly Invitae), Labcorp).

NM_199242.3(UNC13D):c.262-1G>A

Gene: UNC13D (unc-13 homolog D; minus strand). Cytogenetic location: 17q25.1.
Variant type: single nucleotide variant.
Coding change: c.262-1G>A on transcript NM_199242.3 (MANE Select); the canonical splice acceptor site of the intron before coding-DNA position 262, G replaced by A.
Molecular consequence: splice acceptor variant.
Genome position (GRCh38, 1-based): chr17:75,843,074, C>T on the plus strand (G>A on the coding strand, the complement: UNC13D is on the minus strand). VCF-style: chr17-75843074-C-T. GRCh37 (hg19) VCF-style: chr17-73839155-C-T.
Identifiers: ClinVar variation 2982383 (VCV002982383.4), dbSNP rs2064960622, ClinGen allele CA401116391.
Genomic context (GRCh38, chr17:75,843,074, plus strand): 5'-CTCAAGCTCCCTGACCCGCTGCAGTGTCTGCTGGTGCTCCTCGGGCTCCACGTGGAAGGC[C>T]TGGTGGGGAGGCAGGCGGGTGGGTGGCTGGGGGCACCAGACAGGGCAGCTGCAGGAAGGG-3'